The following is an entry in ClinVar:

NM_001199107.2(TBC1D24):c.132G>A (p.Trp44Ter)

Gene: TBC1D24 (TBC1 domain family member 24; plus strand). Cytogenetic location: 16p13.3.
Variant type: single nucleotide variant.
Coding change: c.132G>A on transcript NM_001199107.2 (MANE Select); coding-DNA position 132, G replaced by A.
Protein change: p.Trp44Ter; replaces tryptophan 44 with a stop codon.
Molecular consequence: nonsense.
Genome position (GRCh38, 1-based): chr16:2,496,280, G>A. VCF-style: chr16-2496280-G-A. GRCh37 (hg19) VCF-style: chr16-2546281-G-A.
Other names: c.132G>A (NM_001199107.1); c.132G>A, p.Trp44Ter (NM_020705.3); short protein forms W44*.
Identifiers: ClinVar variation 2163597 (VCV002163597.11), dbSNP rs753767193, ClinGen allele CA7843928.

ClinVar aggregate classification (germline): Pathogenic/Likely pathogenic. Review status: criteria provided, multiple submitters, no conflicts (2 of 4 stars). 4 submissions from 4 submitters: Pathogenic (3); Likely pathogenic (1). Last evaluated 2025-10-01.

Conditions:
Developmental and epileptic encephalopathy, 1 (DEE1). Also called: X-linked infantile spasms; West's syndrome; Tonic spasms with clustering, arrest of psychomotor development and hypsarrhythmia on EEG; X-Linked Infantile Spasm Syndrome; OHTAHARA SYNDROME, X-LINKED; Epileptic encephalopathy, early infantile, 1. Identifiers: MedGen C3463992, MONDO:0010632, OMIM 308350. Disease mechanism: loss of function.
Autosomal dominant nonsyndromic hearing loss 65. Also called: Deafness, autosomal dominant 65; TBC1D24-Related Autosomal Dominant Nonsyndromic Hearing Loss (DFNA). Identifiers: Orphanet 90635, MedGen C3892048, MONDO:0014470, OMIM 616044.
TBC1D24-related disorder. Also called: TBC1D24-related condition; TBC1D24-related disorders. Identifiers: MedGen CN381194.
Developmental and epileptic encephalopathy, 16 (DEE16). Also called: TBC1D24-Related Developmental and Epileptic Encephalopathy (DEE); Early infantile epileptic encephalopathy 16. Identifiers: Orphanet 293181, Orphanet 352596, MedGen C3809173, MONDO:0014133, OMIM 615338.

Allele frequency attached by ClinVar (database versions not stated): ExAC 0.00001; gnomAD exomes 0.00001.
gnomAD v4.1: 3 of 1,613,742 alleles (0.00019%); highest among the groups gnomAD compares: Admixed American, 0.005%; no homozygotes.

Submissions (4):

CeGaT Center for Human Genetics Tuebingen
Classification: Pathogenic. Last evaluated: 2025-10-01. Review status: criteria provided, single submitter. Criteria: CeGaT Center For Human Genetics Tuebingen Variant Classification Criteria Version 2. Collection method: clinical testing. Allele origin: germline. Affected: yes. Observed: 1 variant allele.
Comment: TBC1D24: PVS1, PM2, PM3:Supporting

PreventionGenetics, part of Exact Sciences
Classification: Likely pathogenic for TBC1D24-related condition. Last evaluated: 2025-08-22. Review status: criteria provided, single submitter. Criteria: ACMG Guidelines, 2015. Collection method: clinical testing. Allele origin: germline.
Comment: The TBC1D24 c.132G>A variant is predicted to result in premature protein termination (p.Trp44*). To our knowledge, this variant has not been reported in the literature. This variant is reported in 0.0087% of alleles in individuals of Latino descent in gnomAD. Nonsense variants in TBC1D24 are expected to be pathogenic. This variant is interpreted as likely pathogenic.

3billion
Classification: Pathogenic for Developmental and epileptic encephalopathy, 16. Last evaluated: 2025-08-09. Review status: criteria provided, single submitter. Criteria: ACMG Guidelines, 2015. Collection method: clinical testing. Allele origin: germline. Affected: yes.
Comment: The variant is observed at an extremely low frequency in the gnomAD v4.1.0 dataset (total allele frequency: <0.001%). Predicted Consequence/Location: Stop-gained (nonsense): predicted to result in a loss or disruption of normal protein function through nonsense-mediated decay (NMD) or protein truncation. Multiple pathogenic variants are reported downstream of the variant. The variant has been reported to be associated with TBC1D24-related disorder (ClinVar ID: VCV002163597). Therefore, this variant is classified as Pathogenic according to the recommendation of ACMG/AMP guideline.

Labcorp Genetics (formerly Invitae), Labcorp
Classification: Pathogenic for Developmental and epileptic encephalopathy, 1; Autosomal dominant nonsyndromic hearing loss 65. Last evaluated: 2023-06-29. Review status: criteria provided, single submitter. Criteria: Invitae Variant Classification Sherloc (09022015). Collection method: clinical testing. Allele origin: germline.
Comment: ClinVar contains an entry for this variant (Variation ID: 2163597). This sequence change creates a premature translational stop signal (p.Trp44*) in the TBC1D24 gene. It is expected to result in an absent or disrupted protein product. Loss-of-function variants in TBC1D24 are known to be pathogenic (PMID: 23526554, 24291220). This variant is present in population databases (rs753767193, gnomAD 0.009%). This variant has not been reported in the literature in individuals affected with TBC1D24-related conditions. For these reasons, this variant has been classified as Pathogenic.

Literature cited by the submitters: PubMed 23526554 (cited by Labcorp Genetics (formerly Invitae), Labcorp); PubMed 24291220 (cited by Labcorp Genetics (formerly Invitae), Labcorp).